The following is an entry in ClinVar:

NM_006642.5(SDCCAG8):c.1823A>G (p.Lys608Arg)

Gene: SDCCAG8 (SHH signaling and ciliogenesis regulator SDCCAG8; plus strand). Cytogenetic location: 1q43.
Variant type: single nucleotide variant.
Coding change: c.1823A>G on transcript NM_006642.5 (MANE Select); coding-DNA position 1823, A replaced by G.
Protein change: p.Lys608Arg; replaces lysine 608 with arginine.
Molecular consequence: missense variant.
Genome position (GRCh38, 1-based): chr1:243,418,046, A>G. VCF-style: chr1-243418046-A-G. GRCh37 (hg19) VCF-style: chr1-243581348-A-G.
Other names: c.920A>G, p.Lys307Arg (NM_001350246.2, NM_001350247.2, NM_001350251.2); c.1919A>G, p.Lys640Arg (NM_001350248.2); c.1529A>G, p.Lys510Arg (NM_001350249.2); short protein forms K510R, K640R, K307R, K608R.
Identifiers: ClinVar variation 862173 (VCV000862173.9), dbSNP rs760154232, ClinGen allele CA1483746.

ClinVar aggregate classification (germline): Uncertain significance. Review status: criteria provided, multiple submitters, no conflicts (2 of 4 stars). 2 submissions from 2 submitters: Uncertain significance (2). Last evaluated 2025-08-17.

Conditions:
SDCCAG8-related disorder. Also called: SDCCAG8-related condition; SDCCAG8-Related Disorders.
Bardet-Biedl syndrome 16 (BBS16). Identifiers: Orphanet 110, MedGen C3889474, MONDO:0014444, OMIM 615993.
Senior-Loken syndrome 7 (SLSN7). Identifiers: Orphanet 3156, MedGen C3150877, MONDO:0013326, OMIM 613615.

Allele frequency attached by ClinVar (database versions not stated): gnomAD 0.00001; gnomAD exomes 0.00001 and 0.00002; TOPMed 0.00003; ExAC 0.00001.
gnomAD v4.1: 21 of 1,612,744 alleles (0.0013%); highest among the groups gnomAD compares: Non-Finnish European, 0.0017%; no homozygotes.

Submissions (2):

Labcorp Genetics (formerly Invitae), Labcorp
Classification: Uncertain significance for Bardet-Biedl syndrome 16; Senior-Loken syndrome 7. Last evaluated: 2025-08-17. Review status: criteria provided, single submitter. Criteria: Invitae Variant Classification Sherloc (09022015). Collection method: clinical testing. Allele origin: germline.
Comment: This sequence change replaces lysine, which is basic and polar, with arginine, which is basic and polar, at codon 608 of the SDCCAG8 protein (p.Lys608Arg). This variant is present in population databases (rs760154232, gnomAD 0.003%). This variant has not been reported in the literature in individuals affected with SDCCAG8-related conditions. ClinVar contains an entry for this variant (Variation ID: 862173). Invitae Evidence Modeling of protein sequence and biophysical properties (such as structural, functional, and spatial information, amino acid conservation, physicochemical variation, residue mobility, and thermodynamic stability) indicates that this missense variant is not expected to disrupt SDCCAG8 protein function with a negative predictive value of 80%. In summary, the available evidence is currently insufficient to determine the role of this variant in disease. Therefore, it has been classified as a Variant of Uncertain Significance.

PreventionGenetics, part of Exact Sciences
Classification: Uncertain significance for SDCCAG8-related condition. Last evaluated: 2025-05-30. Review status: criteria provided, single submitter. Criteria: ACMG Guidelines, 2015. Collection method: clinical testing. Allele origin: germline.
Comment: The SDCCAG8 c.1823A>G variant is predicted to result in the amino acid substitution p.Lys608Arg. To our knowledge, this variant has not been reported in the literature. This variant is reported in 0.0035% of alleles in individuals of European (Non-Finnish) descent in gnomAD. At this time, the clinical significance of this variant is uncertain due to the absence of conclusive functional and genetic evidence.